The following is an entry in ClinVar:

ClinVar aggregate classification (germline): Uncertain significance (1 of 4 stars; one submission).

Conditions:
Cardiovascular phenotype. Identifiers: MedGen CN230736.
Hereditary cancer-predisposing syndrome. Also called: Tumor predisposition; Neoplastic Syndromes, Hereditary; Hereditary Cancer Syndrome; Hereditary neoplastic syndrome. Identifiers: Orphanet 140162, MedGen C0027672, MeSH D009386, MONDO:0015356.

Submission:

Ambry Genetics
Classification: Uncertain significance for Cardiovascular phenotype; Hereditary cancer-predisposing syndrome. Last evaluated: 2025-01-28. Review status: criteria provided, single submitter. Criteria: Ambry Variant Classification Scheme 2023. Collection method: clinical testing. Allele origin: germline.
Comment: The p.D432H variant (also known as c.1294G>C), located in coding exon 12 of the LZTR1 gene, results from a G to C substitution at nucleotide position 1294. The aspartic acid at codon 432 is replaced by histidine, an amino acid with similar properties. This amino acid position is conserved. In addition, this alteration is predicted to be deleterious by in silico analysis. Based on the available evidence, the clinical significance of this variant remains unclear.

NM_006767.4(LZTR1):c.1294G>C (p.Asp432His)

Gene: LZTR1 (leucine zipper like post translational regulator 1; plus strand). Cytogenetic location: 22q11.21.
Variant type: single nucleotide variant.
Coding change: c.1294G>C on transcript NM_006767.4 (MANE Select); coding-DNA position 1294, G replaced by C.
Protein change: p.Asp432His; replaces aspartic acid 432 with histidine.
Molecular consequence: missense variant.
Genome position (GRCh38, 1-based): chr22:20,993,695, G>C. VCF-style: chr22-20993695-G-C. GRCh37 (hg19) VCF-style: chr22-21347984-G-C.
Other names: short protein forms D432H.
Identifiers: ClinVar variation 3869309 (VCV003869309.1).